The following is an entry in ClinVar:

ClinVar aggregate classification (germline): Likely pathogenic (1 of 4 stars; one submission).

Conditions:
Autosomal recessive Alport syndrome (ATS2). Also called: COL4A3-Related Nephropathy; COL4A4 Alport Syndrome and Thin Basement Membrane Nephropathy; ALPORT SYNDROME 2, AUTOSOMAL RECESSIVE; Alport syndrome type 2. Identifiers: Orphanet 63, Orphanet 88919, MedGen C4746745, MONDO:0008762, OMIM 203780.

Submission:

Myriad Genetics, Inc.
Classification: Likely pathogenic for Autosomal recessive Alport syndrome. Last evaluated: 2022-02-19. Review status: criteria provided, single submitter. Criteria: Myriad Women's Health Autosomal Recessive and X-Linked Classification Criteria (2021). Collection method: clinical testing. Allele origin: unknown.
Comment: NM_000091.4(COL4A3):c.1682_1685delAACC(Q561Lfs*15) is expected to be pathogenic in the context of COL4A3-related Alport syndrome. This variant is predicted to lead to an abnormal or absent protein product due to the creation of a premature termination codon in COL4A3, a gene where loss-of-function variants are known to be pathogenic. Please note: this variant was assessed in the context of healthy population screening.

NM_000091.5(COL4A3):c.1682_1685del (p.Gln561fs)

Genes: COL4A3 (collagen type IV alpha 3 chain; plus strand), MFF-DT (MFF divergent transcript; minus strand). Cytogenetic location: 2q36.3.
Variant type: Deletion.
Coding change: c.1682_1685del on transcript NM_000091.5 (MANE Select); coding-DNA positions 1682 to 1685, 4 bases deleted (AACC; older notation c.1682_1685delAACC).
Protein change: p.Gln561fs; shifts the reading frame from glutamine 561.
Molecular consequence: frameshift variant.
Genome position (GRCh38, 1-based): chr2:227,270,876-227,270,879, AACC deleted; deleting any 4 consecutive bases within chr2:227,270,874-227,270,879 gives the same sequence; the c. name uses the placement nearest the transcript's 3' end. VCF-style (leftmost placement, unchanged base first): chr2-227270873-GCCAA-G. GRCh37 (hg19) VCF-style: chr2-228135589-GCCAA-G.
Other names: short protein forms Q561fs.
Identifiers: ClinVar variation 1724543 (VCV001724543.2), dbSNP rs2469684566, ClinGen allele CA2580065977.
Genomic context (GRCh38, chr2:227,270,873, plus strand): 5'-AAGGTGAAACACTTCAGCCTGAGGGGCAAGTGGGTGTCCCAGGTGACCCGGGGCTCAGAG[GCCAA>G]CCTGGGAGAAAGGGCTTGGATGGAATTCCTGGAACTCCGGGAGTGAAAGGATTACCAGGA-3'